The following is an entry in ClinVar:

ClinVar aggregate classification (germline): Likely pathogenic (1 of 4 stars; one submission).

Conditions:
Retinitis pigmentosa (RP). Identifiers: Orphanet 791, MedGen C0035334, MeSH D012174, MONDO:0019200, OMIM 268000. Inheritance: Autosomal dominant, autosomal recessive and X linked inheritance.

Submission:

Advanced Center For Translational And Genetic Medicine, Ann & Robert H. Lurie Children's Hospital Of Chicago
Classification: Likely pathogenic for Retinitis pigmentosa. Last evaluated: 2024-07-29. Review status: criteria provided, single submitter. Criteria: ACMG Guidelines, 2015. Collection method: research, in vitro. Allele origin: biparental, not applicable. Affected: yes. Observed: 1 homozygote. Functional consequence: loss_of_function_variant.
Comment: Well-established in vitro or in vivo functional studies supportive of a damaging effect on the gene or gene product (PS3), absent from gnomAD v4.1.0 (PM2), Multiple computational tools support deleterious effect, CADD=19.84 and Mutation Taster predicts Disease Causing (PP3)

NM_024899.4(CEP76):c.868TGG[1] (p.Trp291del)

Genes: CEP76 (centrosomal protein 76; minus strand), PSMG2 (proteasome assembly chaperone 2; plus strand). Cytogenetic location: 18p11.21.
Variant type: Microsatellite.
Coding change: c.868TGG[1] on transcript NM_024899.4 (MANE Select); one copy of the 3-base unit TGG starting at c.868; the reference has two copies in a row; one copy, 3 bases deleted; also written c.871_873del.
Protein change: p.Trp291del; deletes tryptophan 291.
Molecular consequence: inframe deletion. On other transcripts: non-coding transcript variant (1), intron variant (1).
Genome position (GRCh38, 1-based): chr18:12,691,419-12,691,421, CCA deleted on the plus strand (TGG on the coding strand, the reverse complement: CEP76 is on the minus strand); deleting any 3 consecutive bases within chr18:12,691,419-12,691,425 gives the same sequence; the position shown is the placement nearest the transcript's 3' end. VCF-style (leftmost placement, unchanged base first): chr18-12691418-TCCA-T. GRCh37 (hg19) VCF-style: chr18-12691417-TCCA-T.
Other names: c.871_873del (NM_024899.4); c.643TGG[1], p.Trp216del (NM_001271989.2); c.-36-15127_-36-15125del (NM_147163.2); short protein forms W216del, W291del.
Identifiers: ClinVar variation 4075837 (VCV004075837.1).